The following is an entry in ClinVar:

ClinVar aggregate classification (germline): Pathogenic. Review status: criteria provided, multiple submitters, no conflicts (2 of 4 stars). 12 submissions from 11 submitters: Pathogenic (9). 3 of the submissions do not count toward it. Last evaluated 2025-12-15.

Conditions:
Patterned dystrophy of the retinal pigment epithelium (MDPT1). Identifiers: Orphanet 63454, MedGen C1868569, MONDO:0018973.
PRPH2-related disorder. Also called: PRPH2-related condition; PRPH2-related disorders. Identifiers: MedGen CN239395.
Macular dystrophy. Identifiers: MedGen C0730292, HP:0007754.
Retinal dystrophy. Also called: Inherited retinal dystrophy. Identifiers: Orphanet 71862, MedGen C0854723, MeSH D058499, MONDO:0019118, HP:0000556.
Choroidal dystrophy, central areolar 2 (CACD2). Also called: Choriodal Dystrophy, Central Areolar 2; MACULAR DYSTROPHY, PROGRESSIVE. Identifiers: Orphanet 75377, MedGen C2751290, MONDO:0013137, OMIM 613105.
Stargardt disease (FFM). Also called: Fundus flavimaculatus; Stargardt's disease. Identifiers: Orphanet 827, MedGen C0271093, MONDO:0019353.

Allele frequency attached by ClinVar (database versions not stated): gnomAD exomes below 0.00001.
gnomAD v4.1: 1 of 1,614,080 alleles (0.000062%); no homozygotes.

Submissions (12):

Research Institute for Ophthalmology and Vision Science, Shahid Beheshti University of Medical Sciences
Classification: Pathogenic for Choroidal dystrophy, central areolar 2. Last evaluated: 2025-12-15. Review status: criteria provided, single submitter. Criteria: ACMG Guidelines, 2015. Collection method: research. Allele origin: inherited. Inheritance: Autosomal dominant inheritance. Affected: yes.
Comment: NM_000322.5(PRPH2):c.715C>T exhibits an extremely low frequency in gnomAD databases. It has been identified in heterozygous and homozygous states in patients and co-segregates with the disease in multiple affected family members. It has been reported as pathogenic multiple times.

Labcorp Genetics (formerly Invitae), Labcorp
Classification: Pathogenic for PRPH2-related disorder. Last evaluated: 2025-09-28. Review status: criteria provided, single submitter. Criteria: Invitae Variant Classification Sherloc (09022015). Collection method: clinical testing. Allele origin: germline.
Comment: This sequence change creates a premature translational stop signal (p.Gln239*) in the PRPH2 gene. It is expected to result in an absent or disrupted protein product. Loss-of-function variants in PRPH2 are known to be pathogenic (PMID: 8111389, 8485575, 8485576, 8675410, 16916875, 17504850, 22863181, 25675413, 26061163, 27365499, 29555955, 33546218). This variant is not present in population databases (gnomAD no frequency). This premature translational stop signal has been observed in individual(s) with clinical features of autosomal dominant pattern dystrophy (PMID: 279751, 28559085, 29555955, 31618092). It has also been observed to segregate with disease in related individuals. ClinVar contains an entry for this variant (Variation ID: 98703). For these reasons, this variant has been classified as Pathogenic.

Institute of Human Genetics, University of Leipzig Medical Center
Classification: Pathogenic for Choroidal dystrophy, central areolar 2. Last evaluated: 2023-10-25. Review status: criteria provided, single submitter. Criteria: ACMG Guidelines, 2015. Collection method: clinical testing. Allele origin: unknown. Inheritance: Autosomal dominant inheritance. Affected: yes.
Comment: Criteria applied: PVS1,PS4_MOD,PM2_SUP

Blueprint Genetics
Classification: Pathogenic for PRPH2-related disorders. Last evaluated: 2023-06-06. Review status: criteria provided, single submitter. Criteria: ACMG Guidelines, 2015. Collection method: clinical testing. Allele origin: germline. Affected: yes. Observed: 5 variant alleles.

Institute of Human Genetics, Univ. Regensburg, Univ. Regensburg
Classification: Pathogenic for Retinal dystrophy. Last evaluated: 2022-01-01. Review status: criteria provided, single submitter. Criteria: ACMG Guidelines, 2015. Collection method: clinical testing. Allele origin: germline. Affected: yes.

NEI Ophthalmic Genomics Laboratory, National Institutes of Health
Classification: Pathogenic for Stargardt disease. Last evaluated: 2020-01-07. Review status: criteria provided, single submitter. Criteria: ACMG Guidelines, 2015. Collection method: clinical testing. Allele origin: germline. Affected: yes.
Comment: The variant NM_000322.4:c.715C>T in the PRPH2 gene has been previously studied(PMIDs 9279751, 28559085, 29555955, 31618092). We found this variant in 5 patient(s) in a PRPH2 cohort study (Reeves et al. 2020). This variant is listed in dbSNP and/or HGMD (CM971290). It is absent in gnomAD browser. It is enriched in the PRPH2 disease cohort. We invoked ACMG criteria [PVS1, PS4, PM2, PP1, PP5] and classified NM_000322.4:c.715C>T in the PRPH2 gene as a Pathogenic mutation.

NEI Ophthalmic Genomics Laboratory, National Institutes of Health
Classification: Pathogenic for Patterned dystrophy of the retinal pigment epithelium. Last evaluated: 2020-01-07. Review status: criteria provided, single submitter. Criteria: ACMG Guidelines, 2015. Collection method: clinical testing. Allele origin: germline. Affected: yes.
Comment: the same text as in the submission from NEI Ophthalmic Genomics Laboratory, National Institutes of Health above.

GeneDx
Classification: Pathogenic. Last evaluated: 2019-08-05. Review status: criteria provided, single submitter. Criteria: GeneDx Variant Classification Process June 2021. Collection method: clinical testing. Allele origin: germline. Affected: yes.
Comment: Nonsense variant predicted to result in protein truncation or nonsense mediated decay in a gene for which loss-of-function is a known mechanism of disease; Not observed in large population cohorts (Lek et al., 2016); This variant is associated with the following publications: (PMID: 9279751, 29555955, 30718709, 28559085, 31618092, 32531846)

CeGaT Center for Human Genetics Tuebingen
Classification: Pathogenic. Last evaluated: 2019-04-01. Review status: criteria provided, single submitter. Criteria: CeGaT Center For Human Genetics Tuebingen Variant Classification Criteria Version 2. Collection method: clinical testing. Allele origin: germline. Affected: yes. Observed: 1 variant allele.

Leiden Open Variation Database
Classification: Pathogenic. Last evaluated: 2021-04-06. Review status: no assertion criteria provided. Collection method: curation. Allele origin: germline. Affected: yes. Not counted in ClinVar's aggregate classification.
Comment: Curator: Global Variome, with Curator vacancy. Submitters to LOVD: LOVD, Manon Peeters.

Department of Clinical Genetics, Copenhagen University Hospital, Rigshospitalet
Classification: Likely pathogenic for Macular dystrophy. Last evaluated: 2018-04-01. Review status: no assertion criteria provided. Collection method: research. Allele origin: unknown. Affected: yes. Study: VeluxRD. Not counted in ClinVar's aggregate classification.

Retina International
No classification provided. Review status: no classification provided. Collection method: not provided. Allele origin: not provided. Not counted in ClinVar's aggregate classification.

Literature cited by the submitters: PubMed 32531846 (cited by 3 submitters); PubMed 8111389 (cited by Labcorp Genetics (formerly Invitae), Labcorp); PubMed 8485575 (cited by Labcorp Genetics (formerly Invitae), Labcorp); PubMed 8485576 (cited by Labcorp Genetics (formerly Invitae), Labcorp); PubMed 8675410 (cited by Labcorp Genetics (formerly Invitae), Labcorp); PubMed 16916875 (cited by Labcorp Genetics (formerly Invitae), Labcorp); PubMed 17504850 (cited by Labcorp Genetics (formerly Invitae), Labcorp); PubMed 22863181 (cited by Labcorp Genetics (formerly Invitae), Labcorp); PubMed 25675413 (cited by Labcorp Genetics (formerly Invitae), Labcorp); PubMed 26061163 (cited by Labcorp Genetics (formerly Invitae), Labcorp); PubMed 27365499 (cited by Labcorp Genetics (formerly Invitae), Labcorp); PubMed 29555955 (cited by 3 submitters); PubMed 33546218 (cited by Labcorp Genetics (formerly Invitae), Labcorp); PubMed 279751 (cited by Labcorp Genetics (formerly Invitae), Labcorp); PubMed 28559085 (cited by 3 submitters); PubMed 31618092 (cited by 3 submitters); PubMed 9279751 (cited by Institute of Human Genetics, Univ. Regensburg, Univ. Regensburg and Leiden Open Variation Database); PubMed 34411390 (cited by Institute of Human Genetics, Univ. Regensburg, Univ. Regensburg); PubMed 32717343 (cited by Leiden Open Variation Database); PubMed 30718709 (cited by Department of Clinical Genetics, Copenhagen University Hospital, Rigshospitalet).

NM_000322.5(PRPH2):c.715C>T (p.Gln239Ter)

Gene: PRPH2 (peripherin 2; minus strand). Cytogenetic location: 6p21.1.
Variant type: single nucleotide variant.
Coding change: c.715C>T on transcript NM_000322.5 (MANE Select); coding-DNA position 715, C replaced by T.
Protein change: p.Gln239Ter; replaces glutamine 239 with a stop codon.
Molecular consequence: nonsense.
Genome position (GRCh38, 1-based): chr6:42,704,478, G>A on the plus strand (C>T on the coding strand, the complement: PRPH2 is on the minus strand). VCF-style: chr6-42704478-G-A. GRCh37 (hg19) VCF-style: chr6-42672216-G-A.
Other names: short protein forms Q239*.
Identifiers: ClinVar variation 98703 (VCV000098703.58), dbSNP rs61755814, ClinGen allele CA226300.